The following is an entry in ClinVar:

NM_001267550.2(TTN):c.104421_104425del (p.Arg34807fs)

Genes: TTN (titin; minus strand), TTN-AS1 (TTN antisense RNA 1; plus strand). Cytogenetic location: 2q31.2.
Variant type: Deletion.
Coding change: c.104421_104425del on transcript NM_001267550.2 (MANE Select); coding-DNA positions 104421 to 104425, 5 bases deleted (AGAAG; older notation c.104421_104425delAGAAG).
Protein change: p.Arg34807fs; shifts the reading frame from arginine 34807.
Molecular consequence: frameshift variant.
Genome position (GRCh38, 1-based): chr2:178,532,190-178,532,194, CTTCT deleted on the plus strand (AGAAG on the coding strand, the reverse complement: TTN is on the minus strand); deleting any 5 consecutive bases within chr2:178,532,190-178,532,197 gives the same sequence; the c. name uses the placement nearest the transcript's 3' end. VCF-style (leftmost placement, unchanged base first): chr2-178532189-ACTTCT-A. GRCh37 (hg19) VCF-style: chr2-179396916-ACTTCT-A.
Other names: c.99498_99502del, p.Arg33166fs (NM_001256850.1); c.77226_77230del, p.Arg25742fs (NM_003319.4); c.96717_96721del, p.Arg32239fs (NM_133378.4); c.77601_77605del, p.Arg25867fs (NM_133432.3); c.77802_77806del, p.Arg25934fs (NM_133437.4); short protein forms R25934fs, R32239fs, R33166fs, R25742fs, R25867fs, R34807fs.
Identifiers: ClinVar variation 1498821 (VCV001498821.8), dbSNP rs1689427568, ClinGen allele CA1310518117.
Genomic context (GRCh38, chr2:178,532,189, plus strand): 5'-GATTCTCTTTGAGCATGTTTTGAGATTTCGTATTCTTCCTCAATTTCTGTTATTTCTGTC[ACTTCT>A]CTTTGTCGCCTTGATTTCTTTCTAGACTTTTCCTCCTTTGACATGAAGTCAAGTTCGCTT-3'

ClinVar aggregate classification (germline): Likely pathogenic (1 of 4 stars; one submission).

Conditions:
Dilated cardiomyopathy 1G (CMD1G). Identifiers: Orphanet 154, MedGen C1858763, MONDO:0011400, OMIM 604145.
Autosomal recessive limb-girdle muscular dystrophy type 2J (LGMDR10). Also called: Limb-girdle muscular dystrophy, type 2J; MUSCULAR DYSTROPHY, LIMB-GIRDLE, AUTOSOMAL RECESSIVE 10. Identifiers: Orphanet 140922, MedGen C1837342, MONDO:0012127, OMIM 608807.

Submission:

Labcorp Genetics (formerly Invitae), Labcorp
Classification: Likely pathogenic for Dilated cardiomyopathy 1G; Autosomal recessive limb-girdle muscular dystrophy type 2J. Last evaluated: 2023-12-06. Review status: criteria provided, single submitter. Criteria: Invitae Variant Classification Sherloc (09022015). Collection method: clinical testing. Allele origin: germline.
Comment: This sequence change creates a premature translational stop signal (p.Arg34807Serfs*8) in the TTN gene. While this is not anticipated to result in nonsense mediated decay, it is expected to create a truncated TTN protein. This variant is not present in population databases (gnomAD no frequency). This premature translational stop signal has been observed in individual(s) with dilated cardiomyopathy (PMID: 29447731). ClinVar contains an entry for this variant (Variation ID: 1498821). This variant is located in the M band of TTN (PMID: 25589632). Truncating variants in this region have been previously reported in individuals affected with autosomal recessive myopathy and muscular dystrophy (PMID: 18948003, 23975875, 24395473). Truncating variants in this region have also been identified in individuals affected with autosomal dominant dilated cardiomyopathy and/or cardio-related conditions (PMID: 27869827, 32964742). In summary, the currently available evidence indicates that the variant is pathogenic, but additional data are needed to prove that conclusively. Therefore, this variant has been classified as Likely Pathogenic.

Literature cited by the submitters: PubMed 29447731; PubMed 25589632; PubMed 18948003; PubMed 23975875; PubMed 24395473; PubMed 27869827; PubMed 32964742.